The following is an entry in ClinVar:

NM_001375524.1(TRRAP):c.2943G>A (p.Lys981=)

Gene: TRRAP (transformation/transcription domain associated protein; plus strand). Cytogenetic location: 7q22.1.
Variant type: single nucleotide variant.
Coding change: c.2943G>A on transcript NM_001375524.1 (MANE Select); coding-DNA position 2943, G replaced by A.
Protein change: p.Lys981=; no amino-acid change (lysine 981 retained).
Molecular consequence: synonymous variant.
Genome position (GRCh38, 1-based): chr7:98,925,231, G>A. VCF-style: chr7-98925231-G-A. GRCh37 (hg19) VCF-style: chr7-98522854-G-A.
Other names: c.2943G>A, p.Lys981= (NM_001244580.2, NM_003496.4).
Identifiers: ClinVar variation 4281153 (VCV004281153.7).
Genomic context (GRCh38, chr7:98,925,231, plus strand): 5'-GCAGGCGTGGGAAGTGATCAAATGCTTCCTGGTGGCCATGATGAGCCTGGAGGACAACAA[G>A]CACGCACTCTACCAGCTCCTGGCACACCCCAAGTATGTCGGCCACTTCCTTCTGTGTGGT-3'
Protein context (NP_001362453.1, residues 971-991): LVAMMSLEDN[Lys981=]HALYQLLAHP

ClinVar aggregate classification (germline): Likely benign (1 of 4 stars; one submission).

gnomAD v4.1: 7 of 1,614,162 alleles (0.00043%); highest among the groups gnomAD compares: Non-Finnish European, 0.00059%; no homozygotes.

Submission:

CeGaT Center for Human Genetics Tuebingen
Classification: Likely benign. Last evaluated: 2025-09-01. Review status: criteria provided, single submitter. Criteria: CeGaT Center For Human Genetics Tuebingen Variant Classification Criteria Version 2. Collection method: clinical testing. Allele origin: germline. Affected: yes. Observed: 1 variant allele.
Comment: TRRAP: BP4, BP7